The following is an entry in ClinVar:

ClinVar aggregate classification (germline): Likely benign. Review status: criteria provided, multiple submitters, no conflicts (2 of 4 stars). 2 submissions from 2 submitters: Likely benign (2). Last evaluated 2024-05-01.

Allele frequency attached by ClinVar (database versions not stated): ExAC 0.00001; gnomAD 0.00001; TOPMed 0.00002.

Submissions (2):

CeGaT Center for Human Genetics Tuebingen
Classification: Likely benign. Last evaluated: 2024-05-01. Review status: criteria provided, single submitter. Criteria: CeGaT Center For Human Genetics Tuebingen Variant Classification Criteria Version 2. Collection method: clinical testing. Allele origin: germline. Affected: yes. Observed: 1 variant allele.
Comment: PYROXD1: BP4, BP7

Labcorp Genetics (formerly Invitae), Labcorp
Classification: Likely benign. Last evaluated: 2023-12-06. Review status: criteria provided, single submitter. Criteria: Invitae Variant Classification Sherloc (09022015). Collection method: clinical testing. Allele origin: germline.

NM_024854.5(PYROXD1):c.816T>C (p.Phe272=)

Gene: PYROXD1 (pyridine nucleotide-disulphide oxidoreductase domain 1; plus strand). Cytogenetic location: 12p12.1.
Variant type: single nucleotide variant.
Coding change: c.816T>C on transcript NM_024854.5 (MANE Select); coding-DNA position 816, T replaced by C.
Protein change: p.Phe272=; no amino-acid change (phenylalanine 272 retained).
Molecular consequence: synonymous variant.
Genome position (GRCh38, 1-based): chr12:21,461,090, T>C. VCF-style: chr12-21461090-T-C. GRCh37 (hg19) VCF-style: chr12-21614024-T-C.
Other names: c.603T>C, p.Phe201= (NM_001350912.2); c.39T>C, p.Phe13= (NM_001350913.2).
Identifiers: ClinVar variation 2869785 (VCV002869785.22), dbSNP rs771057587, ClinGen allele CA6478340.
Genomic context (GRCh38, chr12:21,461,090, plus strand): 5'-TCATAAGATTCACCTTGAAACTATGTGTGAAGTAAAGAAAATCTACCTTCAGGATGAGTT[T>C]AGAATTTTGAAGAAAAAGTCCTTCACTTTTCCAAGAGACCATAAGTCAGTTACAGCTGAT-3'
Protein context (NP_079130.2, residues 262-282): EVKKIYLQDE[Phe272=]RILKKKSFTF